The following is an entry in ClinVar:

ClinVar aggregate classification (germline): Conflicting classifications of pathogenicity. Review status: criteria provided, conflicting classifications (1 of 4 stars). 2 submissions from 2 submitters: Uncertain significance (1); Likely benign (1). Last evaluated 2023-03-23.

Conditions:
Hereditary breast ovarian cancer syndrome. Also called: Hereditary breast and ovarian cancer syndrome (HBOC); BRCA1- and BRCA2-Associated Hereditary Breast and Ovarian Cancer; Hereditary breast and ovarian cancer syndrome; Breast and ovarian cancer; Hereditary breast and ovarian cancer; Hereditary breast and/or ovarian cancer syndrome. Identifiers: Orphanet 145, MedGen C0677776, MeSH D061325, MONDO:0003582. Disease mechanism: loss of function.
Hereditary cancer-predisposing syndrome. Also called: Hereditary neoplastic syndrome; Neoplastic Syndromes, Hereditary; Tumor predisposition; Hereditary Cancer Syndrome. Identifiers: Orphanet 140162, MedGen C0027672, MeSH D009386, MONDO:0015356.

Submissions (2):

University of Washington Department of Laboratory Medicine, University of Washington
Classification: Likely benign for Hereditary cancer-predisposing syndrome. Last evaluated: 2023-03-23. Review status: criteria provided, single submitter. Criteria: Dines et al. (Genet Med. 2020). Collection method: curation. Allele origin: germline.
Comment: Missense variant in a coldspot region where missense variants are very unlikely to be pathogenic (PMID:31911673).

BRCA2 exon 11 coldspot. Reclassification based on statistical prior probability.

Labcorp Genetics (formerly Invitae), Labcorp
Classification: Uncertain significance for Hereditary breast ovarian cancer syndrome. Last evaluated: 2017-12-12. Review status: criteria provided, single submitter. Criteria: Invitae Variant Classification Sherloc (09022015). Collection method: clinical testing. Allele origin: germline.
Comment: This sequence change replaces glutamic acid with glycine at codon 2261 of the BRCA2 protein (p.Glu2261Gly). The glutamic acid residue is weakly conserved and there is a moderate physicochemical difference between glutamic acid and glycine. This variant is not present in population databases (ExAC no frequency). This variant has not been reported in the literature in individuals with BRCA2-related disease. Algorithms developed to predict the effect of missense changes on protein structure and function output the following: SIFT: "Deleterious"; PolyPhen-2: "Benign"; Align-GVGD: "Class C0". The glycine amino acid residue is found in multiple mammalian species, suggesting that this missense change does not adversely affect protein function. These predictions have not been confirmed by published functional studies and their clinical significance is uncertain. In summary, the available evidence is currently insufficient to determine the role of this variant in disease. Therefore, it has been classified as a Variant of Uncertain Significance.

NM_000059.4(BRCA2):c.6782A>G (p.Glu2261Gly)

Gene: BRCA2 (BRCA2 DNA repair associated; plus strand). Cytogenetic location: 13q13.1.
Variant type: single nucleotide variant.
Coding change: c.6782A>G on transcript NM_000059.4 (MANE Select); coding-DNA position 6782, A replaced by G.
Protein change: p.Glu2261Gly; replaces glutamic acid 2261 with glycine.
Molecular consequence: missense variant.
Genome position (GRCh38, 1-based): chr13:32,341,137, A>G. VCF-style: chr13-32341137-A-G. GRCh37 (hg19) VCF-style: chr13-32915274-A-G.
Other names: short protein forms E2261G.
Identifiers: ClinVar variation 531321 (VCV000531321.10), dbSNP rs1555284854, ClinGen allele CA387791272.